The following is an entry in ClinVar:

ClinVar aggregate classification (germline): Uncertain significance (1 of 4 stars; one submission).

Conditions:
LRPPRC-related disorder. Also called: LRPPRC-related condition.

gnomAD v4.1: 1 of 1,613,380 alleles (0.000062%); highest among the groups gnomAD compares: African/African-American, 0.0013%; no homozygotes.

Submission:

PreventionGenetics, part of Exact Sciences
Classification: Uncertain significance for LRPPRC-related condition. Last evaluated: 2024-12-06. Review status: criteria provided, single submitter. Criteria: ACMG Guidelines, 2015. Collection method: clinical testing. Allele origin: germline.
Comment: The LRPPRC c.1604T>A variant is predicted to result in the amino acid substitution p.Ile535Asn. To our knowledge, this variant has not been reported in the literature or in a large population database (gnomAD), indicating this variant is rare. At this time, the clinical significance of this variant is uncertain due to the absence of conclusive functional and genetic evidence.

NM_133259.4(LRPPRC):c.1604T>A (p.Ile535Asn)

Genes: LRPPRC (leucine rich pentatricopeptide repeat containing; minus strand), LOC129388857 (MPRA-validated peak3685 silencer; plus strand). Cytogenetic location: 2p21.
Variant type: single nucleotide variant.
Coding change: c.1604T>A on transcript NM_133259.4 (MANE Select); coding-DNA position 1604, T replaced by A.
Protein change: p.Ile535Asn; replaces isoleucine 535 with asparagine.
Molecular consequence: missense variant.
Genome position (GRCh38, 1-based): chr2:43,957,430, A>T on the plus strand (T>A on the coding strand, the complement: LRPPRC is on the minus strand). VCF-style: chr2-43957430-A-T. GRCh37 (hg19) VCF-style: chr2-44184569-A-T.
Other names: short protein forms I535N.
Identifiers: ClinVar variation 5002589 (VCV005002589.1).
Genomic context (GRCh38, chr2:43,957,430, plus strand): 5'-AGTTGATCATCTTACCTCCTGAAGCCTAGCAGTAGGCTACTTCTTATAGACTGCAGCGAG[A>T]TGGGCAATGTATTTGATTTCACTGCAAAAGAAAATGACCATCATTAAATCTCAGACCAAA-3'
Protein context (NP_573566.2, residues 525-545): LSFLKSNTLP[Ile535Asn]SLQSIRSSLL